The following is an entry in ClinVar:

NM_001377137.1(GBF1):c.3528G>A (p.Trp1176Ter)

Gene: GBF1 (golgi brefeldin A resistant guanine nucleotide exchange factor 1; plus strand). Cytogenetic location: 10q24.32.
Variant type: single nucleotide variant.
Coding change: c.3528G>A on transcript NM_001377137.1 (MANE Select); coding-DNA position 3528, G replaced by A.
Protein change: p.Trp1176Ter; replaces tryptophan 1176 with a stop codon.
Molecular consequence: nonsense. On other transcripts: non-coding transcript variant (5).
Genome position (GRCh38, 1-based): chr10:102,370,728, G>A. VCF-style: chr10-102370728-G-A. GRCh37 (hg19) VCF-style: chr10-104130485-G-A.
Other names: c.3528G>A, p.Trp1176Ter (NM_001199378.2); c.3525G>A, p.Trp1175Ter (NM_001199379.2, NM_001377141.1, NM_004193.3); c.3489G>A, p.Trp1163Ter (NM_001377138.1); c.3231G>A, p.Trp1077Ter (NM_001377139.1, NM_001377140.1); short protein forms W1077*, W1176*, W1163*, W1175*.
Identifiers: ClinVar variation 973612 (VCV000973612.3), dbSNP rs2060161763, ClinGen allele CA377872718.
Genomic context (GRCh38, chr10:102,370,728, plus strand): 5'-TCTGGCTGAGACTATCTTCATTCCTTTATGTCTACACAGGGATCGTGTGGGCTGTGTGTG[G>A]CAGACTGTTCGAGACCATCTATACCACCTCTGTGTTCAGGCACAAGATTTCTGCTTCCTT-3'

ClinVar aggregate classification (germline): Pathogenic/Likely pathogenic. Review status: no assertion criteria provided (0 of 4 stars). 2 submissions from 2 submitters: Pathogenic (1); Likely pathogenic (1). Last evaluated 2021-10-15.

Conditions:
Charcot-Marie-Tooth Disease, axonal, type 2GG (CMT2GG). Also called: Charcot-Marie-Tooth neuropathy, type 2GG; Charcot-Marie-Tooth neuropathy, axonal, type 2GG; Charcot-Marie-Tooth disease dominant intermediate II. Identifiers: Orphanet 100043, MedGen C5561933, MONDO:0011675, OMIM 606483.
Motor axonal neuropathy. Identifiers: MedGen C2749625, HP:0007002.

Submissions (2):

OMIM
Classification: Pathogenic for CHARCOT-MARIE-TOOTH DISEASE, AXONAL, TYPE 2GG. Last evaluated: 2021-10-15. Review status: no assertion criteria provided. Collection method: literature only. Allele origin: germline.

Institute of Human Genetics, Cologne University
Classification: Likely pathogenic for Motor axonal neuropathy. Review status: no assertion criteria provided. Collection method: research. Allele origin: de novo. Inheritance: Sporadic. Affected: yes. Observed: 1 heterozygote.
Comment: Skin fibroblast from the affected individual showed an increased golgi fragmentation favoring the pathogenic effect of the variant. A research paper reporting this work is submitted and currently under revision.

Literature cited by the submitters: PubMed 32937143 (cited by OMIM).